The following is an entry in ClinVar:

ClinVar aggregate classification (germline): Uncertain significance (1 of 4 stars; one submission).

Allele frequency attached by ClinVar (database versions not stated): ExAC 0.00001; TOPMed 0.00001.

Submission:

Labcorp Genetics (formerly Invitae), Labcorp
Classification: Uncertain significance. Last evaluated: 2022-08-16. Review status: criteria provided, single submitter. Criteria: Invitae Variant Classification Sherloc (09022015). Collection method: clinical testing. Allele origin: germline.
Comment: In summary, the available evidence is currently insufficient to determine the role of this variant in disease. Therefore, it has been classified as a Variant of Uncertain Significance. Algorithms developed to predict the effect of missense changes on protein structure and function are either unavailable or do not agree on the potential impact of this missense change (SIFT: "Tolerated"; PolyPhen-2: "Possibly Damaging"; Align-GVGD: "Class C0"). ClinVar contains an entry for this variant (Variation ID: 1518881). This variant has not been reported in the literature in individuals affected with SBF1-related conditions. This variant is not present in population databases (gnomAD no frequency). This sequence change replaces alanine, which is neutral and non-polar, with valine, which is neutral and non-polar, at codon 1256 of the SBF1 protein (p.Ala1256Val).

NM_002972.4(SBF1):c.3767C>T (p.Ala1256Val)

Gene: SBF1 (SET binding factor 1; minus strand). Cytogenetic location: 22q13.33.
Variant type: single nucleotide variant.
Coding change: c.3767C>T on transcript NM_002972.4 (MANE Select); coding-DNA position 3767, C replaced by T.
Protein change: p.Ala1256Val; replaces alanine 1256 with valine.
Molecular consequence: missense variant.
Genome position (GRCh38, 1-based): chr22:50,459,314, G>A on the plus strand (C>T on the coding strand, the complement: SBF1 is on the minus strand). VCF-style: chr22-50459314-G-A. GRCh37 (hg19) VCF-style: chr22-50897743-G-A.
Other names: c.3770C>T, p.Ala1257Val (NM_001365819.1); short protein forms A1256V, A1257V.
Identifiers: ClinVar variation 1518881 (VCV001518881.6), dbSNP rs777013142, ClinGen allele CA10316577.